The following is an entry in ClinVar:

NM_018230.3(NUP133):c.1196C>T (p.Ser399Phe)

Gene: NUP133 (nucleoporin 133; minus strand). Cytogenetic location: 1q42.13.
Variant type: single nucleotide variant.
Coding change: c.1196C>T on transcript NM_018230.3 (MANE Select); coding-DNA position 1196, C replaced by T.
Protein change: p.Ser399Phe; replaces serine 399 with phenylalanine.
Molecular consequence: missense variant.
Genome position (GRCh38, 1-based): chr1:229,487,612, G>A on the plus strand (C>T on the coding strand, the complement: NUP133 is on the minus strand). VCF-style: chr1-229487612-G-A. GRCh37 (hg19) VCF-style: chr1-229623359-G-A.
Other names: c.1196C>T (NM_018230.2); short protein forms S399F.
Identifiers: ClinVar variation 1647774 (VCV001647774.25), dbSNP rs148628311, ClinGen allele CA1443595.
Genomic context (GRCh38, chr1:229,487,612, plus strand): 5'-AGATAGGCAGTCTGGTTTGAAAAGTTTGGGACCGTCAACTGACACAAAATCAGGTCTTCA[G>A]ACTGAAAGTTAAATTTAAGATTACATTTAACAAGAAGTAAAACAAAAATATTTGTATGAT-3'
Protein context (NP_060700.2, residues 389-409): EVTQYNPPFQ[Ser399Phe]EDLILCQLTV

ClinVar aggregate classification (germline): Likely benign. Review status: criteria provided, multiple submitters, no conflicts (2 of 4 stars). 3 submissions from 3 submitters: Likely benign (2). 1 of the submissions does not count toward it. Last evaluated 2026-07-01.

Conditions:
NUP133-related disorder. Also called: NUP133-related condition.

Allele frequency attached by ClinVar (database versions not stated): gnomAD 0.00290 and 0.00313; ESP Exome Variant Server 0.00315; TOPMed 0.00322; ExAC 0.00324; 1000 Genomes Project 0.00359; gnomAD exomes 0.00359 and 0.00380; 1000 Genomes Project 30x 0.00406.
gnomAD v4.1: 5,927 of 1,588,574 alleles (0.37%); highest among the groups gnomAD compares: Non-Finnish European, 0.41%; 23 homozygotes.

Submissions (3):

CeGaT Center for Human Genetics Tuebingen
Classification: Likely benign. Last evaluated: 2026-07-01. Review status: criteria provided, single submitter. Criteria: CeGaT Center For Human Genetics Tuebingen Variant Classification Criteria Version 2. Collection method: clinical testing. Allele origin: germline. Affected: yes. Observed: 2 variant alleles.
Comment: NUP133: BP4, BS2

Labcorp Genetics (formerly Invitae), Labcorp
Classification: Likely benign. Last evaluated: 2026-01-27. Review status: criteria provided, single submitter. Criteria: Invitae Variant Classification Sherloc (09022015). Collection method: clinical testing. Allele origin: germline.

PreventionGenetics, part of Exact Sciences
Classification: Likely benign for NUP133-related condition. Last evaluated: 2021-05-17. Review status: no assertion criteria provided. Collection method: clinical testing. Allele origin: germline. Not counted in ClinVar's aggregate classification.
Comment: This variant is classified as likely benign based on ACMG/AMP sequence variant interpretation guidelines (Richards et al. 2015 PMID: 25741868, with internal and published modifications).